The following is an entry in ClinVar:

ClinVar aggregate classification (germline): Conflicting classifications of pathogenicity. Review status: criteria provided, conflicting classifications (1 of 4 stars). 10 submissions from 10 submitters: Uncertain significance (1); Benign (3); Likely benign (5). 1 of the submissions does not count toward it. Last evaluated 2026-05-04.

Conditions:
Cardiovascular phenotype. Identifiers: MedGen CN230736.
Ehlers-Danlos syndrome (EDS). Identifiers: Orphanet 98249, MedGen C0013720, MONDO:0020066.
Brittle cornea syndrome 1 (BCS1). Also called: Corneal fragility keratoglobus, blue sclerae AND joint hypermobility; CORNEAL FRAGILITY, KERATOGLOBUS, BLUE SCLERAE, JOINT HYPEREXTENSIBILITY; EDS6B; FRAGILITAS OCULI WITH JOINT HYPEREXTENSIBILITY; DYSGENESIS MESODERMALIS CORNEAE ET SCLERAE. Identifiers: Orphanet 90354, MedGen C0268344, MONDO:0024543, OMIM 229200.

Allele frequency attached by ClinVar (database versions not stated): 1000 Genomes Project 0.00220; 1000 Genomes Project 30x 0.00265; TOPMed 0.00302.
gnomAD v4.1: 820 of 1,549,988 alleles (0.053%); highest among the groups gnomAD compares: African/African-American, 0.97%; 6 homozygotes.

Submissions (10):

Women's Health and Genetics/Laboratory Corporation of America, LabCorp
Classification: Likely benign. Last evaluated: 2026-05-04. Review status: criteria provided, single submitter. Criteria: LabCorp Variant Classification Summary - May 2015. Collection method: clinical testing. Allele origin: germline.
Comment: Variant summary: ZNF469 c.457C>G (p.Pro153Ala) results in a non-conservative amino acid change in the encoded protein sequence. Algorithms developed to predict the effect of missense changes on protein structure and function are either unavailable or do not agree on the potential impact of this missense change. The variant allele was found at a frequency of 0.00062 in 145766 control chromosomes, predominantly at a frequency of 0.01 within the African or African-American subpopulation in the gnomAD database, including 2 homozygotes. The observed variant frequency within African or African-American control individuals in the gnomAD database exceeds the estimated maximal expected allele frequency for disease-causing variants in ZNF469. To our knowledge, no occurrence of c.457C>G in individuals affected with ZNF469-related conditions and no experimental evidence demonstrating its impact on protein function have been reported. ClinVar contains an entry for this variant (Variation ID: 193174). Based on the evidence outlined above, the variant was classified as likely benign.

Labcorp Genetics (formerly Invitae), Labcorp
Classification: Benign. Last evaluated: 2026-01-27. Review status: criteria provided, single submitter. Criteria: Invitae Variant Classification Sherloc (09022015). Collection method: clinical testing. Allele origin: germline.

Mayo Clinic Laboratories, Mayo Clinic
Classification: Likely benign. Last evaluated: 2025-09-10. Review status: criteria provided, single submitter. Criteria: ACMG Guidelines, 2015. Collection method: clinical testing. Allele origin: germline. Observed: 2 variant alleles.
Comment: BS1, BP4_moderate

Blueprint Genetics
Classification: Likely benign. Last evaluated: 2024-08-14. Review status: criteria provided, single submitter. Criteria: ACMG Guidelines, 2015. Collection method: clinical testing. Allele origin: germline.

Genome Diagnostics Laboratory, The Hospital for Sick Children
Classification: Likely benign for Ehlers-Danlos syndrome. Last evaluated: 2022-06-10. Review status: criteria provided, single submitter. Criteria: ACMG Guidelines, 2015. Collection method: clinical testing. Allele origin: germline.

Ambry Genetics
Classification: Likely benign for Cardiovascular phenotype. Last evaluated: 2019-11-14. Review status: criteria provided, single submitter. Criteria: Ambry Variant Classification Scheme 2023. Collection method: clinical testing. Allele origin: germline.

GeneDx
Classification: Benign. Last evaluated: 2018-12-17. Review status: criteria provided, single submitter. Criteria: GeneDx Variant Classification Process June 2021. Collection method: clinical testing. Allele origin: germline. Affected: yes.

Clinical Genetics DNA and cytogenetics Diagnostics Lab, Erasmus MC, Erasmus Medical Center
Classification: Benign for Brittle cornea syndrome 1. Last evaluated: 2017-06-28. Review status: criteria provided, single submitter. Criteria: ACGS Guidelines, 2013. Collection method: clinical testing. Allele origin: germline. Affected: yes. Study: VKGL Data-share Consensus.

Eurofins Ntd Llc (ga)
Classification: Uncertain significance. Last evaluated: 2014-07-14. Review status: criteria provided, single submitter. Criteria: EGL Classification Definitions 2015. Collection method: clinical testing. Allele origin: germline. Observed: 1 variant allele, 1 heterozygote.

Genome Diagnostics Laboratory, Amsterdam University Medical Center
Classification: Likely benign for Brittle cornea syndrome 1. Last evaluated: 2016-01-15. Review status: no assertion criteria provided. Criteria: ACGS Guidelines, 2013. Collection method: clinical testing. Allele origin: germline. Affected: yes. Study: VKGL Data-share Consensus. Not counted in ClinVar's aggregate classification.

NM_001367624.2(ZNF469):c.457C>G (p.Pro153Ala)

Gene: ZNF469 (zinc finger protein 469; plus strand). Cytogenetic location: 16q24.2.
Variant type: single nucleotide variant.
Coding change: c.457C>G on transcript NM_001367624.2 (MANE Select); coding-DNA position 457, C replaced by G.
Protein change: p.Pro153Ala; replaces proline 153 with alanine.
Molecular consequence: missense variant.
Genome position (GRCh38, 1-based): chr16:88,427,927, C>G. VCF-style: chr16-88427927-C-G. GRCh37 (hg19) VCF-style: chr16-88494335-C-G.
Other names: NM_001127464.2:c.457C>G; NM_001127464.1:c.457C>G; p.Pro153Ala; short protein forms P153A.
Identifiers: ClinVar variation 193174 (VCV000193174.24), dbSNP rs532620482, ClinGen allele CA238682.